The following is an entry in ClinVar:

NM_000059.4(BRCA2):c.9564T>C (p.Asp3188=)

Gene: BRCA2 (BRCA2 DNA repair associated; plus strand). Cytogenetic location: 13q13.1.
Variant type: single nucleotide variant.
Coding change: c.9564T>C on transcript NM_000059.4 (MANE Select); coding-DNA position 9564, T replaced by C.
Protein change: p.Asp3188=; no amino-acid change (aspartic acid 3188 retained).
Molecular consequence: synonymous variant.
Genome position (GRCh38, 1-based): chr13:32,396,960, T>C. VCF-style: chr13-32396960-T-C. GRCh37 (hg19) VCF-style: chr13-32971097-T-C.
Identifiers: ClinVar variation 231325 (VCV000231325.24), dbSNP rs398122616, ClinGen allele CA6941413.

ClinVar aggregate classification (germline): Likely benign. Review status: reviewed by expert panel (3 of 4 stars). 8 submissions from 8 submitters: Likely benign (1). 7 of the submissions do not count toward it. Last evaluated 2017-06-29.

Conditions:
Hereditary breast ovarian cancer syndrome. Also called: Breast and ovarian cancer; BRCA1- and BRCA2-Associated Hereditary Breast and Ovarian Cancer; Hereditary breast and ovarian cancer syndrome; Hereditary breast and ovarian cancer syndrome (HBOC); Hereditary breast and/or ovarian cancer syndrome; Hereditary breast and ovarian cancer. Identifiers: Orphanet 145, MedGen C0677776, MeSH D061325, MONDO:0003582. Disease mechanism: loss of function.
Breast-ovarian cancer, familial, susceptibility to, 2 (BROVCA2). Also called: BRCA2 Hereditary Breast and Ovarian Cancer. Identifiers: Orphanet 145, MedGen C2675520, MONDO:0012933, OMIM 612555. Disease mechanism: loss of function.
Hereditary cancer-predisposing syndrome. Also called: Neoplastic Syndromes, Hereditary; Hereditary Cancer Syndrome; Tumor predisposition; Hereditary neoplastic syndrome. Identifiers: Orphanet 140162, MedGen C0027672, MeSH D009386, MONDO:0015356.

Allele frequency attached by ClinVar (database versions not stated): gnomAD exomes below 0.00001; ExAC 0.00001.
gnomAD v4.1: 9 of 1,614,034 alleles (0.00056%); highest among the groups gnomAD compares: Non-Finnish European, 0.00076%; no homozygotes.

Submissions (8):

Evidence-based Network for the Interpretation of Germline Mutant Alleles (ENIGMA)
Classification: Likely benign for Breast-ovarian cancer, familial, susceptibility to, 2. Last evaluated: 2017-06-29. Review status: reviewed by expert panel. Criteria: ENIGMA BRCA1/2 Classification Criteria (2017-06-29). Collection method: curation. Allele origin: germline.
Comment: Synonymous substitution variant, with low bioinformatic likelihood to result in a splicing aberration (Splicing prior probability 0.02).

Labcorp Genetics (formerly Invitae), Labcorp
Classification: Likely benign for Hereditary breast ovarian cancer syndrome. Last evaluated: 2025-08-20. Review status: criteria provided, single submitter. Criteria: Invitae Variant Classification Sherloc (09022015). Collection method: clinical testing. Allele origin: germline. Not counted in ClinVar's aggregate classification.

Women's Health and Genetics/Laboratory Corporation of America, LabCorp
Classification: Likely benign. Last evaluated: 2024-12-06. Review status: criteria provided, single submitter. Criteria: LabCorp Variant Classification Summary - May 2015. Collection method: clinical testing. Allele origin: germline. Not counted in ClinVar's aggregate classification.

Blueprint Genetics
Classification: Likely benign. Last evaluated: 2024-09-27. Review status: criteria provided, single submitter. Criteria: ACMG Guidelines, 2015. Collection method: clinical testing. Allele origin: germline. Not counted in ClinVar's aggregate classification.

All of Us Research Program, National Institutes of Health
Classification: Likely benign for Breast-ovarian cancer, familial, susceptibility to, 2. Last evaluated: 2023-10-02. Review status: criteria provided, single submitter. Criteria: ACMG Guidelines, 2015. Collection method: clinical testing. Allele origin: germline. Inheritance: Autosomal dominant inheritance. Observed: 3 variant alleles, 3 heterozygotes. Not counted in ClinVar's aggregate classification.
Comment: This study involves interpretation of variants in research participants for the purpose of population health screening. Participant phenotype was not available at the time of variant classification. Additional details can be found in publication PMID: 35346344, PMCID: PMC8962531

Color Diagnostics, LLC DBA Color Health
Classification: Likely benign for Hereditary cancer-predisposing syndrome. Last evaluated: 2017-06-14. Review status: criteria provided, single submitter. Criteria: ACMG Guidelines, 2015. Collection method: clinical testing. Allele origin: germline. Not counted in ClinVar's aggregate classification.

Ambry Genetics
Classification: Likely benign for Hereditary cancer-predisposing syndrome. Last evaluated: 2015-04-16. Review status: criteria provided, single submitter. Criteria: Ambry Variant Classification Scheme 2023. Collection method: clinical testing. Allele origin: germline. Not counted in ClinVar's aggregate classification.

Department of Pathology and Laboratory Medicine, Sinai Health System
Classification: Likely benign. Review status: no assertion criteria provided. Collection method: clinical testing. Allele origin: unknown. Affected: yes. Observed: 2 variant alleles. Study: The Canadian Open Genetics Repository (COGR). Not counted in ClinVar's aggregate classification.
Comment: This variant is not expected to have clinical significance because it does not alter an amino acid residue and is not located near a splice junction.